The following is an entry in ClinVar:

NM_001195263.2(PDZD7):c.543-167T>G

Gene: PDZD7 (PDZ domain containing 7; minus strand). Cytogenetic location: 10q24.31.
Variant type: single nucleotide variant.
Coding change: c.543-167T>G on transcript NM_001195263.2 (MANE Select); 167 bases into the intron before coding-DNA position 543, T replaced by G.
Molecular consequence: intron variant.
Genome position (GRCh38, 1-based): chr10:101,022,552, A>C on the plus strand (T>G on the coding strand, the complement: PDZD7 is on the minus strand). VCF-style: chr10-101022552-A-C. GRCh37 (hg19) VCF-style: chr10-102782309-A-C.
Other names: c.543-167T>G (NM_024895.5, NM_001351044.2).
Identifiers: ClinVar variation 667957 (VCV000667957.2), dbSNP rs12265408, ClinGen allele CA212988577.

ClinVar aggregate classification (germline): Benign. Review status: criteria provided, multiple submitters, no conflicts (2 of 4 stars). 2 submissions from 2 submitters: Benign (2). Last evaluated 2018-06-14.

Allele frequency attached by ClinVar (database versions not stated): 1000 Genomes Project 0.06050; 1000 Genomes Project 30x 0.06449; gnomAD 0.07368 and 0.07539; TOPMed 0.07509.
gnomAD v4.1: 11,118 of 151,148 alleles (7.4%); highest among the groups gnomAD compares: Middle Eastern, 11%; 454 homozygotes.

Submissions (2):

GeneDx
Classification: Benign. Last evaluated: 2018-06-14. Review status: criteria provided, single submitter. Criteria: GeneDx Variant Classification (06012015). Collection method: clinical testing. Allele origin: germline. Affected: yes.
Comment: This variant is considered likely benign or benign based on one or more of the following criteria: it is a conservative change, it occurs at a poorly conserved position in the protein, it is predicted to be benign by multiple in silico algorithms, and/or has population frequency not consistent with disease.

Breakthrough Genomics
Classification: Benign. Review status: criteria provided, single submitter. Criteria: ACMG Guidelines, 2015. Collection method: not provided. Allele origin: germline. Inheritance: Autosomal recessive inheritance. Affected: yes.